The following is an entry in ClinVar:

ClinVar aggregate classification (germline): Uncertain significance (1 of 4 stars; one submission).

Allele frequency attached by ClinVar (database versions not stated): ESP Exome Variant Server 0.00008; 1000 Genomes Project 30x 0.00016; 1000 Genomes Project 0.00020.
gnomAD v4.1: 19 of 1,614,070 alleles (0.0012%); highest among the groups gnomAD compares: African/African-American, 0.015%; no homozygotes.

Submission:

Labcorp Genetics (formerly Invitae), Labcorp
Classification: Uncertain significance. Last evaluated: 2025-07-27. Review status: criteria provided, single submitter. Criteria: Invitae Variant Classification Sherloc (09022015). Collection method: clinical testing. Allele origin: germline.
Comment: This sequence change replaces alanine, which is neutral and non-polar, with serine, which is neutral and polar, at codon 455 of the DSCAML1 protein (p.Ala455Ser). This variant is present in population databases (rs148882662, gnomAD 0.02%). This variant has not been reported in the literature in individuals affected with DSCAML1-related conditions. ClinVar contains an entry for this variant (Variation ID: 1934436). An algorithm developed to predict the effect of missense changes on protein structure and function (PolyPhen-2) suggests that this variant is likely to be disruptive. In summary, the available evidence is currently insufficient to determine the role of this variant in disease. Therefore, it has been classified as a Variant of Uncertain Significance.

NM_020693.4(DSCAML1):c.1183G>T (p.Ala395Ser)

Gene: DSCAML1 (DS cell adhesion molecule like 1; minus strand). Cytogenetic location: 11q23.3.
Variant type: single nucleotide variant.
Coding change: c.1183G>T on transcript NM_020693.4 (MANE Select); coding-DNA position 1183, G replaced by T.
Protein change: p.Ala395Ser; replaces alanine 395 with serine.
Molecular consequence: missense variant.
Genome position (GRCh38, 1-based): chr11:117,521,160, C>A on the plus strand (G>T on the coding strand, the complement: DSCAML1 is on the minus strand). VCF-style: chr11-117521160-C-A. GRCh37 (hg19) VCF-style: chr11-117391875-C-A.
Other names: c.1183G>T, p.Ala395Ser (NM_001367904.1); c.775G>T, p.Ala259Ser (NM_001367905.1); short protein forms A395S, A259S.
Identifiers: ClinVar variation 1934436 (VCV001934436.5), dbSNP rs148882662, ClinGen allele CA6297347.